The following is an entry in ClinVar:

NM_000289.6(PFKM):c.1338_1339delinsAA (p.Gln447Lys)

Gene: PFKM (phosphofructokinase, muscle; plus strand). Cytogenetic location: 12q13.11.
Variant type: Indel.
Coding change: c.1338_1339delinsAA on transcript NM_000289.6 (MANE Select); coding-DNA positions 1338 to 1339, GC replaced by AA.
Protein change: p.Gln447Lys; replaces glutamine 447 with lysine.
Molecular consequence: missense variant. On other transcripts: non-coding transcript variant (6).
Genome position (GRCh38, 1-based): chr12:48,140,868-48,140,869, GC replaced by AA. VCF-style: chr12-48140868-GC-AA. GRCh37 (hg19) VCF-style: chr12-48534651-GC-AA.
Other names: p.Gln447Lys; c.1338_1339delinsAA (NM_000289.5); c.1551_1552delinsAA, p.Gln518Lys (NM_001166686.2, NM_001354737.1, NM_001354738.1 and 1 more transcripts); c.1338_1339delinsAA, p.Gln447Lys (NM_001166687.2, NM_001166688.2, NM_001354742.2 and 2 more transcripts); c.1647_1648delinsAA, p.Gln550Lys (NM_001354735.1, NM_001354736.1); c.1482_1483delinsAA, p.Gln495Lys (NM_001354740.1); c.1362_1363delinsAA, p.Gln455Lys (NM_001354741.2); c.1251_1252delinsAA, p.Gln418Lys (NM_001354745.2); and 3 more; short protein forms Q397K, Q418K, Q518K, Q447K, Q495K, Q550K, Q405K, Q416K.
Identifiers: ClinVar variation 526619 (VCV000526619.43), dbSNP rs1555206566, ClinGen allele CA658797898.

ClinVar aggregate classification (germline): Conflicting classifications of pathogenicity. Review status: criteria provided, conflicting classifications (1 of 4 stars). 4 submissions from 4 submitters: Uncertain significance (2); Likely benign (2). Last evaluated 2026-02-04.

Conditions:
Glycogen storage disease, type VII (GSD7). Also called: GSD VII; MUSCLE PHOSPHOFRUCTOKINASE DEFICIENCY; PFKM DEFICIENCY; TARUI DISEASE. Identifiers: Orphanet 371, MedGen C0017926, MONDO:0009295, OMIM 232800.

Submissions (4):

Labcorp Genetics (formerly Invitae), Labcorp
Classification: Likely benign for Glycogen storage disease, type VII. Last evaluated: 2026-02-04. Review status: criteria provided, single submitter. Criteria: Invitae Variant Classification Sherloc (09022015). Collection method: clinical testing. Allele origin: germline.

ARUP Laboratories, Molecular Genetics and Genomics, ARUP Laboratories
Classification: Likely benign for Glycogen storage disease, type VII. Last evaluated: 2024-09-27. Review status: criteria provided, single submitter. Criteria: ARUP Molecular Germline Variant Investigation Process 2024. Collection method: clinical testing. Allele origin: germline.

Mayo Clinic Laboratories, Mayo Clinic
Classification: Uncertain significance. Last evaluated: 2023-03-13. Review status: criteria provided, single submitter. Criteria: ACMG Guidelines, 2015. Collection method: clinical testing. Allele origin: germline. Observed: 2 variant alleles.
Comment: BS1

CeGaT Center for Human Genetics Tuebingen
Classification: Uncertain significance. Last evaluated: 2018-09-01. Review status: criteria provided, single submitter. Criteria: CeGaT Center For Human Genetics Tuebingen Variant Classification Criteria Version 2. Collection method: clinical testing. Allele origin: germline. Affected: yes. Observed: 1 variant allele.